The following is an entry in ClinVar:

ClinVar aggregate classification (germline): Uncertain significance (1 of 4 stars; one submission).

Conditions:
Gastrointestinal stromal tumor. Also called: Gastrointestinal stromal tumor, somatic; Gastrointestinal stroma tumor. Identifiers: Orphanet 44890, MedGen C0238198, MeSH D046152, MONDO:0011719, OMIM 606764, HP:0100723.

Submission:

Labcorp Genetics (formerly Invitae), Labcorp
Classification: Uncertain significance for Gastrointestinal stromal tumor. Last evaluated: 2023-10-09. Review status: criteria provided, single submitter. Criteria: Invitae Variant Classification Sherloc (09022015). Collection method: clinical testing. Allele origin: germline.
Comment: This sequence change replaces arginine, which is basic and polar, with serine, which is neutral and polar, at codon 297 of the PDGFRA protein (p.Arg297Ser). This variant is not present in population databases (gnomAD no frequency). This variant has not been reported in the literature in individuals affected with PDGFRA-related conditions. Advanced modeling of protein sequence and biophysical properties (such as structural, functional, and spatial information, amino acid conservation, physicochemical variation, residue mobility, and thermodynamic stability) performed at Invitae indicates that this missense variant is not expected to disrupt PDGFRA protein function. In summary, the available evidence is currently insufficient to determine the role of this variant in disease. Therefore, it has been classified as a Variant of Uncertain Significance.

NM_006206.6(PDGFRA):c.891G>C (p.Arg297Ser)

Gene: PDGFRA (platelet derived growth factor receptor alpha; plus strand). Cytogenetic location: 4q12.
Variant type: single nucleotide variant.
Coding change: c.891G>C on transcript NM_006206.6 (MANE Select); coding-DNA position 891, G replaced by C.
Protein change: p.Arg297Ser; replaces arginine 297 with serine.
Molecular consequence: missense variant.
Genome position (GRCh38, 1-based): chr4:54,267,420, G>C. VCF-style: chr4-54267420-G-C. GRCh37 (hg19) VCF-style: chr4-55133587-G-C.
Other names: c.891G>C, p.Arg297Ser (NM_001347827.2, NM_001347829.2); c.966G>C, p.Arg322Ser (NM_001347828.2); c.930G>C, p.Arg310Ser (NM_001347830.2); short protein forms R310S, R297S, R322S.
Identifiers: ClinVar variation 2767115 (VCV002767115.3), dbSNP rs1577714835, ClinGen allele CA356891327.